The following is an entry in ClinVar:

ClinVar aggregate classification (germline): Pathogenic (1 of 4 stars; one submission).

Submission:

Labcorp Genetics (formerly Invitae), Labcorp
Classification: Pathogenic. Last evaluated: 2025-07-22. Review status: criteria provided, single submitter. Criteria: Invitae Variant Classification Sherloc (09022015). Collection method: clinical testing. Allele origin: germline.
Comment: This sequence change creates a premature translational stop signal (p.Val621Metfs*52) in the COL10A1 gene. While this is not anticipated to result in nonsense mediated decay, it is expected to disrupt the last 60 amino acid(s) of the COL10A1 protein. This variant is not present in population databases (gnomAD no frequency). This premature translational stop signal has been observed in individual(s) with Schmid metaphyseal chondrodysplasia (PMID: 8220429). It has also been observed to segregate with disease in related individuals. For these reasons, this variant has been classified as Pathogenic.

Literature cited by the submitters: PubMed 8220429.

NM_000493.4(COL10A1):c.1861_1873del (p.Val621fs)

Genes: COL10A1 (collagen type X alpha 1 chain; minus strand), NT5DC1 (5'-nucleotidase domain containing 1; plus strand). Cytogenetic location: 6q22.1.
Variant type: Deletion.
Coding change: c.1861_1873del on transcript NM_000493.4 (MANE Select); coding-DNA positions 1861 to 1873, 13 bases deleted (GTAATGTACACCT).
Protein change: p.Val621fs; shifts the reading frame from valine 621.
Molecular consequence: frameshift variant. On other transcripts: intron variant (1).
Genome position (GRCh38, 1-based): chr6:116,120,243-116,120,255, AGGTGTACATTAC deleted on the plus strand (GTAATGTACACCT on the coding strand, the reverse complement: COL10A1 is on the minus strand); deleting any 13 consecutive bases within chr6:116,120,243-116,120,258 gives the same sequence; the c. name uses the placement nearest the transcript's 3' end. VCF-style (leftmost placement, unchanged base first): chr6-116120242-TAGGTGTACATTAC-T. GRCh37 (hg19) VCF-style: chr6-116441405-TAGGTGTACATTAC-T.
Other names: c.1861_1873del, p.Val621fs (NM_001424106.1, NM_001424107.1); c.529+2301_529+2313del (NM_152729.3); short protein forms V621fs.
Identifiers: ClinVar variation 4723714 (VCV004723714.1).
Genomic context (GRCh38, chr6:116,120,242, plus strand): 5'-GTGAGATCGATGATGGCACTCCCTGAAGCCTGATCCAGGTAGCCTTTGGTGTATTCATCA[TAGGTGTACATTAC>T]AGGGGTGCCATTCTTATACAGGCCTACCCAAACATGAGTCCCTTTCACATGCACGTGGTA-3'